The following is an entry in ClinVar:

NM_004991.4(MECOM):c.2708G>A (p.Arg903Lys)

Gene: MECOM (MDS1 and EVI1 complex locus; minus strand). Cytogenetic location: 3q26.2.
Variant type: single nucleotide variant.
Coding change: c.2708G>A on transcript NM_004991.4 (MANE Select); coding-DNA position 2708, G replaced by A.
Protein change: p.Arg903Lys; replaces arginine 903 with lysine.
Molecular consequence: missense variant.
Genome position (GRCh38, 1-based): chr3:169,102,123, C>T on the plus strand (G>A on the coding strand, the complement: MECOM is on the minus strand). VCF-style: chr3-169102123-C-T. GRCh37 (hg19) VCF-style: chr3-168819911-C-T.
Other names: c.2339G>A, p.Arg780Lys (NM_001105077.4); c.2144G>A, p.Arg715Lys (NM_001105078.4, NM_001205194.2, NM_001366469.2 and 1 more transcripts); c.2120G>A, p.Arg707Lys (NM_001163999.2, NM_001366470.2); c.2117G>A, p.Arg706Lys (NM_001164000.2, NM_001366471.2, NM_001366472.2); c.2681G>A, p.Arg894Lys (NM_001366466.2); c.2147G>A, p.Arg716Lys (NM_001366467.2, NM_001366468.2); c.1709G>A, p.Arg570Lys (NM_001366473.2); c.1145G>A, p.Arg382Lys (NM_001366474.2); short protein forms R707K, R894K, R570K, R715K, R716K, R903K, R382K, R706K.
Identifiers: ClinVar variation 2033653 (VCV002033653.4), dbSNP rs2549283177, ClinGen allele CA355079325.

ClinVar aggregate classification (germline): Uncertain significance (1 of 4 stars; one submission).

Submission:

Labcorp Genetics (formerly Invitae), Labcorp
Classification: Uncertain significance. Last evaluated: 2022-10-01. Review status: criteria provided, single submitter. Criteria: Invitae Variant Classification Sherloc (09022015). Collection method: clinical testing. Allele origin: germline.
Comment: Algorithms developed to predict the effect of missense changes on protein structure and function (SIFT, PolyPhen-2, Align-GVGD) all suggest that this variant is likely to be tolerated. In summary, the available evidence is currently insufficient to determine the role of this variant in disease. Therefore, it has been classified as a Variant of Uncertain Significance. This variant has not been reported in the literature in individuals affected with MECOM-related conditions. This variant is not present in population databases (gnomAD no frequency). This sequence change replaces arginine, which is basic and polar, with lysine, which is basic and polar, at codon 715 of the MECOM protein (p.Arg715Lys).